The following is an entry in ClinVar:

ClinVar aggregate classification (germline): Uncertain significance (1 of 4 stars; one submission).

Conditions:
Gabriele de Vries syndrome. Identifiers: Orphanet 506358, MedGen C4479652, MONDO:0044738, OMIM 617557.

gnomAD v4.1: 24 of 1,535,942 alleles (0.0016%); highest among the groups gnomAD compares: South Asian, 0.0036%; no homozygotes.

Submission:

Baylor Genetics
Classification: Uncertain significance for Gabriele de Vries syndrome. Last evaluated: 2019-03-05. Review status: criteria provided, single submitter. Criteria: ACMG Guidelines, 2015. Collection method: clinical testing. Allele origin: maternal. Affected: yes.
Comment: This variant was determined to be of uncertain significance according to ACMG Guidelines, 2015 [PMID:25741868].

NM_003403.5(YY1):c.-5C>T

Genes: YY1 (YY1 transcription factor; plus strand), LOC130056452 (ATAC-STARR-seq lymphoblastoid silent region 6081; plus strand). Cytogenetic location: 14q32.2.
Variant type: single nucleotide variant.
Coding change: c.-5C>T on transcript NM_003403.5 (MANE Select); 5 bases upstream of the start codon, C replaced by T.
Molecular consequence: 5 prime UTR variant.
Genome position (GRCh38, 1-based): chr14:100,239,240, C>T. VCF-style: chr14-100239240-C-T. GRCh37 (hg19) VCF-style: chr14-100705577-C-T.
Identifiers: ClinVar variation 1029702 (VCV001029702.1), dbSNP rs1465024541, ClinGen allele CA966547399.